The following is an entry in ClinVar:

ClinVar aggregate classification (germline): Benign. Review status: criteria provided, multiple submitters, no conflicts (2 of 4 stars). 3 submissions from 3 submitters: Benign (3). Last evaluated 2024-07-31.

Allele frequency attached by ClinVar (database versions not stated): gnomAD 0.22379 and 0.22500; TOPMed 0.24035; 1000 Genomes Project 30x 0.31230; 1000 Genomes Project 0.31869.
gnomAD v4.1: 153,795 of 854,228 alleles (18%); highest among the groups gnomAD compares: East Asian, 48%; 19,167 homozygotes.

Submissions (3):

Unidad de Genómica Garrahan, Hospital de Pediatría Garrahan
Classification: Benign. Last evaluated: 2024-07-31. Review status: criteria provided, single submitter. Criteria: ACMG Guidelines, 2015. Collection method: clinical testing. Allele origin: germline. Affected: no. Observed: 21 variant alleles.
Comment: This variant is classified as Benign based on local population frequency. This variant was detected in 23% of patients studied in a panel designed for Epileptic and Developmental Encephalopathy, Progressive Myoclonus Epilepsy and Abnormal Movements and Neurodegeneration with brain iron accumulation. Number of patients: 21. Only high quality variants are reported.

GeneDx
Classification: Benign. Last evaluated: 2021-05-15. Review status: criteria provided, single submitter. Criteria: GeneDx Variant Classification Process June 2021. Collection method: clinical testing. Allele origin: germline. Affected: yes.

Breakthrough Genomics
Classification: Benign. Review status: criteria provided, single submitter. Criteria: ACMG Guidelines, 2015. Collection method: not provided. Allele origin: germline. Inheritance: Autosomal dominant inheritance. Affected: yes.

NM_006922.4(SCN3A):c.383+81C>T

Gene: SCN3A (sodium voltage-gated channel alpha subunit 3; minus strand). Cytogenetic location: 2q24.3.
Variant type: single nucleotide variant.
Coding change: c.383+81C>T on transcript NM_006922.4 (MANE Select); 81 bases into the intron after coding-DNA position 383, C replaced by T.
Molecular consequence: intron variant.
Genome position (GRCh38, 1-based): chr2:165,170,349, G>A on the plus strand (C>T on the coding strand, the complement: SCN3A is on the minus strand). VCF-style: chr2-165170349-G-A. GRCh37 (hg19) VCF-style: chr2-166026859-G-A.
Other names: c.383+81C>T (NM_001081676.2, NM_001081677.2).
Identifiers: ClinVar variation 1243910 (VCV001243910.5), dbSNP rs3754962, ClinGen allele CA60230977.